The following is an entry in ClinVar:

NM_178822.5(IGSF10):c.5939A>G (p.Lys1980Arg)

Gene: IGSF10 (immunoglobulin superfamily member 10; minus strand). Cytogenetic location: 3q25.1.
Variant type: single nucleotide variant.
Coding change: c.5939A>G on transcript NM_178822.5 (MANE Select); coding-DNA position 5939, A replaced by G.
Protein change: p.Lys1980Arg; replaces lysine 1980 with arginine.
Molecular consequence: missense variant.
Genome position (GRCh38, 1-based): chr3:151,443,008, T>C on the plus strand (A>G on the coding strand, the complement: IGSF10 is on the minus strand). VCF-style: chr3-151443008-T-C. GRCh37 (hg19) VCF-style: chr3-151160796-T-C.
Other names: c.5939A>G, p.Lys1980Arg (NM_001385060.1, NM_001385061.1, NM_001385062.1 and 1 more transcripts); short protein forms K1980R.
Identifiers: ClinVar variation 2747034 (VCV002747034.3), dbSNP rs769666598, ClinGen allele CA85732033.
Genomic context (GRCh38, chr3:151,443,008, plus strand): 5'-AAAGCAGATAATTCCAACCCAAAGGTATAGACTTACCTATGCTGCTGGTCGACCACAGCC[T>C]TGGATGGTAACCTCCACATTATTTGGGGTTTGGGCTCCCCAGTGGCTGAGCAGTTCAGTA-3'
Protein context (NP_849144.2, residues 1970-1990): KPQIMWRLPS[Lys1980Arg]AVVDQQHRVG

ClinVar aggregate classification (germline): Uncertain significance (1 of 4 stars; one submission).

Submission:

Labcorp Genetics (formerly Invitae), Labcorp
Classification: Uncertain significance. Last evaluated: 2023-07-26. Review status: criteria provided, single submitter. Criteria: Invitae Variant Classification Sherloc (09022015). Collection method: clinical testing. Allele origin: germline.
Comment: This sequence change replaces lysine, which is basic and polar, with arginine, which is basic and polar, at codon 1980 of the IGSF10 protein (p.Lys1980Arg). This variant is not present in population databases (gnomAD no frequency). This variant has not been reported in the literature in individuals affected with IGSF10-related conditions. Algorithms developed to predict the effect of missense changes on protein structure and function output the following: SIFT: "Not Available"; PolyPhen-2: "Benign"; Align-GVGD: "Not Available". The arginine amino acid residue is found in multiple mammalian species, which suggests that this missense change does not adversely affect protein function. In summary, the available evidence is currently insufficient to determine the role of this variant in disease. Therefore, it has been classified as a Variant of Uncertain Significance.